The following is an entry in ClinVar:

ClinVar aggregate classification (germline): Benign/Likely benign. Review status: criteria provided, multiple submitters, no conflicts (2 of 4 stars). 4 submissions from 4 submitters: Benign (1); Likely benign (2). 1 of the submissions does not count toward it. Last evaluated 2025-12-05.

Conditions:
COL18A1-related disorder. Also called: COL18A1-related disorders; COL18A1-related condition.

Allele frequency attached by ClinVar (database versions not stated): gnomAD exomes 0.00020; ExAC 0.00026; ESP Exome Variant Server 0.00071; TOPMed 0.00104; 1000 Genomes Project 0.00140; 1000 Genomes Project 30x 0.00172.
gnomAD v4.1: 217 of 1,612,768 alleles (0.013%); highest among the groups gnomAD compares: African/African-American, 0.25%; 1 homozygote.

Submissions (4):

Labcorp Genetics (formerly Invitae), Labcorp
Classification: Likely benign. Last evaluated: 2025-12-05. Review status: criteria provided, single submitter. Criteria: Invitae Variant Classification Sherloc (09022015). Collection method: clinical testing. Allele origin: germline.

CeGaT Center for Human Genetics Tuebingen
Classification: Likely benign. Last evaluated: 2025-07-01. Review status: criteria provided, single submitter. Criteria: CeGaT Center For Human Genetics Tuebingen Variant Classification Criteria Version 2. Collection method: clinical testing. Allele origin: germline. Affected: yes. Observed: 1 variant allele.
Comment: COL18A1: BP4

Blueprint Genetics
Classification: Benign. Last evaluated: 2024-10-10. Review status: criteria provided, single submitter. Criteria: ACMG Guidelines, 2015. Collection method: clinical testing. Allele origin: germline.

PreventionGenetics, part of Exact Sciences
Classification: Likely benign for COL18A1-related condition. Last evaluated: 2024-05-14. Review status: no assertion criteria provided. Collection method: clinical testing. Allele origin: germline. Not counted in ClinVar's aggregate classification.
Comment: This variant is classified as likely benign based on ACMG/AMP sequence variant interpretation guidelines (Richards et al. 2015 PMID: 25741868, with internal and published modifications).

NM_001379500.1(COL18A1):c.3965A>G (p.His1322Arg)

Genes: COL18A1 (collagen type XVIII alpha 1 chain; plus strand), SLC19A1 (solute carrier family 19 member 1; minus strand). Cytogenetic location: 21q22.3.
Variant type: single nucleotide variant.
Coding change: c.3965A>G on transcript NM_001379500.1 (MANE Select); coding-DNA position 3965, A replaced by G.
Protein change: p.His1322Arg; replaces histidine 1322 with arginine.
Molecular consequence: missense variant.
Genome position (GRCh38, 1-based): chr21:45,512,343, A>G. VCF-style: chr21-45512343-A-G. GRCh37 (hg19) VCF-style: chr21-46932257-A-G.
Other names: c.4496A>G, p.His1499Arg (NM_030582.4); c.5201A>G, p.His1734Arg (NM_130444.3); c.4496A>G (NM_030582.3); short protein forms H1322R, H1499R, H1734R.
Identifiers: ClinVar variation 1144003 (VCV001144003.19), dbSNP rs201489582, ClinGen allele CA10068150.